The following is an entry in ClinVar:

ClinVar aggregate classification (germline): Uncertain significance (1 of 4 stars; one submission).

Conditions:
Leber congenital amaurosis 13 (LCA13). Identifiers: MedGen C2675186, MONDO:0012990, OMIM 612712.

Allele frequency attached by ClinVar (database versions not stated): gnomAD exomes below 0.00001.
gnomAD v4.1: 1 of 1,597,258 alleles (0.000063%); highest among the groups gnomAD compares: Non-Finnish European, 0.000085%; no homozygotes.

Submission:

Labcorp Genetics (formerly Invitae), Labcorp
Classification: Uncertain significance for Leber congenital amaurosis 13. Last evaluated: 2022-06-02. Review status: criteria provided, single submitter. Criteria: Invitae Variant Classification Sherloc (09022015). Collection method: clinical testing. Allele origin: germline.
Comment: Algorithms developed to predict the effect of missense changes on protein structure and function (SIFT, PolyPhen-2, Align-GVGD) all suggest that this variant is likely to be disruptive. In summary, the available evidence is currently insufficient to determine the role of this variant in disease. Therefore, it has been classified as a Variant of Uncertain Significance. Algorithms developed to predict the effect of sequence changes on RNA splicing suggest that this variant may disrupt the consensus splice site. This variant has not been reported in the literature in individuals affected with RDH12-related conditions. This variant is not present in population databases (gnomAD no frequency). This sequence change replaces serine, which is neutral and polar, with glycine, which is neutral and non-polar, at codon 283 of the RDH12 protein (p.Ser283Gly).

NM_152443.3(RDH12):c.847A>G (p.Ser283Gly)

Genes: GPHN (gephyrin; plus strand), RDH12 (retinol dehydrogenase 12; plus strand), ZFYVE26 (zinc finger FYVE-type containing 26; minus strand). Cytogenetic location: 14q24.1.
Variant type: single nucleotide variant.
Coding change: c.847A>G on transcript NM_152443.3 (MANE Select); coding-DNA position 847, A replaced by G.
Protein change: p.Ser283Gly; replaces serine 283 with glycine.
Molecular consequence: missense variant.
Genome position (GRCh38, 1-based): chr14:67,729,379, A>G. VCF-style: chr14-67729379-A-G. GRCh37 (hg19) VCF-style: chr14-68196096-A-G.
Other names: short protein forms S283G.
Identifiers: ClinVar variation 1924996 (VCV001924996.5), dbSNP rs2503834387, ClinGen allele CA390153536.
Genomic context (GRCh38, chr14:67,729,379, plus strand): 5'-CAGACCAGCCTGCACTGCGCCCTGGCTGAGGGCCTGGAGCCCCTGAGTGGCAAGTACTTC[A>G]GGTGTGTGAAGGCAATGCGGTTCTCTCCACCACCTGTGTGCATGGGAGGTGCCGGACTCG-3'
Protein context (NP_689656.2, residues 273-293): GLEPLSGKYF[Ser283Gly]DCKRTWVSPR